The following is an entry in ClinVar:

ClinVar aggregate classification (germline): Uncertain significance (1 of 4 stars; one submission).

Conditions:
Inborn genetic diseases. Identifiers: MedGen C0950123, MeSH D030342.

Submission:

Ambry Genetics
Classification: Uncertain significance for Inborn genetic diseases. Last evaluated: 2024-09-08. Review status: criteria provided, single submitter. Criteria: Ambry Variant Classification Scheme 2023. Collection method: clinical testing. Allele origin: germline.
Comment: The p.S627C variant (also known as c.1880C>G), located in coding exon 15 of the BUB1B gene, results from a C to G substitution at nucleotide position 1880. The serine at codon 627 is replaced by cysteine, an amino acid with dissimilar properties. This amino acid position is conserved. In addition, this alteration is predicted to be tolerated by in silico analysis. Based on the available evidence, the clinical significance of this variant remains unclear.

NM_001211.6(BUB1B):c.1880C>G (p.Ser627Cys)

Gene: BUB1B (BUB1 mitotic checkpoint serine/threonine kinase B; plus strand). Cytogenetic location: 15q15.1.
Variant type: single nucleotide variant.
Coding change: c.1880C>G on transcript NM_001211.6 (MANE Select); coding-DNA position 1880, C replaced by G.
Protein change: p.Ser627Cys; replaces serine 627 with cysteine.
Molecular consequence: missense variant.
Genome position (GRCh38, 1-based): chr15:40,206,329, C>G. VCF-style: chr15-40206329-C-G. GRCh37 (hg19) VCF-style: chr15-40498530-C-G.
Other names: short protein forms S627C.
Identifiers: ClinVar variation 3483187 (VCV003483187.1).